The following is an entry in ClinVar:

NM_000051.3:c.6781_6782insALU

Gene: ATM (ATM serine/threonine kinase; plus strand).
Variant type: Insertion.
Identifiers: ClinVar variation 3324817 (VCV003324817.1).

ClinVar aggregate classification (germline): Likely pathogenic (1 of 4 stars; one submission).

Conditions:
Hereditary cancer-predisposing syndrome. Also called: Neoplastic Syndromes, Hereditary; Tumor predisposition; Hereditary neoplastic syndrome; Hereditary Cancer Syndrome. Identifiers: Orphanet 140162, MedGen C0027672, MeSH D009386, MONDO:0015356.

Submission:

Ambry Genetics
Classification: Likely pathogenic for Hereditary cancer-predisposing syndrome. Last evaluated: 2024-03-21. Review status: criteria provided, single submitter. Criteria: Ambry Variant Classification Scheme 2023. Collection method: clinical testing. Allele origin: germline.
Comment: The c.6781_6782insAlu likely pathogenic variant results from the insertion of an Alu element between nucleotides 6781 and 6782 in coding exon 45 of the ATM gene. Mobile element insertions contribute to pathogenicity by either disrupting the coding sequence or inducing aberrant splicing (Belancio VP et al. Semin. Cancer Biol. 2010 Aug;20:200-10; Deininger P et al. Genome Biol. 2011 Dec;12:236; van der Klift HM Hum Mutat. 2012 Jul;33(7):1051-5). Based on the majority of available evidence to date, this variant is likely to be pathogenic.